The following is an entry in ClinVar:

NM_001292063.2(OTOG):c.7422C>T (p.Phe2474=)

Gene: OTOG (otogelin; plus strand). Cytogenetic location: 11p15.1.
Variant type: single nucleotide variant.
Coding change: c.7422C>T on transcript NM_001292063.2 (MANE Select); coding-DNA position 7422, C replaced by T.
Protein change: p.Phe2474=; no amino-acid change (phenylalanine 2474 retained).
Molecular consequence: synonymous variant.
Genome position (GRCh38, 1-based): chr11:17,634,223, C>T. VCF-style: chr11-17634223-C-T. GRCh37 (hg19) VCF-style: chr11-17655770-C-T.
Other names: c.7458C>T, p.Phe2486= (NM_001277269.2).
Identifiers: ClinVar variation 666741 (VCV000666741.5), dbSNP rs983539027, ClinGen allele CA218498036.
Genomic context (GRCh38, chr11:17,634,223, plus strand): 5'-CACCATTGTCCCGGTGGATCTGGGCTGCCCCAGTCCCCGCCCTGAGAGCTGCCTGCGATT[C>T]GGGGAGGTGGCCTTGCTCCTACCCACCAAGGACCCCTGCTGCCTGGGGACTGTCTGTGGT-3'
Protein context (NP_001278992.1, residues 2464-2484): PSPRPESCLR[Phe2474=]GEVALLLPTK

ClinVar aggregate classification (germline): Likely benign (1 of 4 stars; one submission).

Allele frequency attached by ClinVar (database versions not stated): gnomAD 0.00001; gnomAD exomes 0.00001 and 0.00003; TOPMed 0.00001.
gnomAD v4.1: 15 of 1,550,394 alleles (0.00097%); highest among the groups gnomAD compares: Middle Eastern, 0.033%; no homozygotes.

Submission:

Laboratory for Molecular Medicine, Mass General Brigham Personalized Medicine
Classification: Likely benign. Last evaluated: 2019-02-14. Review status: criteria provided, single submitter. Criteria: LMM Criteria. Collection method: clinical testing. Allele origin: germline. Observed: 1 variant allele.
Comment: The p.Phe2486Phe variant in OTOG is classified as likely benign because it does not alter an amino acid residue, it is not located within the splice consensus sequence, and splice prediction algorithms do not predict a newly created splice site. ACMG/AMP Criteria applied: BP4, BP7.